The following is an entry in ClinVar:

NM_000051.4(ATM):c.984_986del (p.Ser328del)

Gene: ATM (ATM serine/threonine kinase; plus strand). Cytogenetic location: 11q22.3.
Variant type: Deletion.
Coding change: c.984_986del on transcript NM_000051.4 (MANE Select); coding-DNA positions 984 to 986, 3 bases deleted (TAG; older notation c.984_986delTAG).
Protein change: p.Ser328del; deletes serine 328.
Molecular consequence: inframe deletion.
Genome position (GRCh38, 1-based): chr11:108,247,046-108,247,048, TAG deleted; deleting any 3 consecutive bases within chr11:108,247,044-108,247,048 gives the same sequence; the c. name uses the placement nearest the transcript's 3' end. VCF-style (leftmost placement, unchanged base first): chr11-108247043-AAGT-A. GRCh37 (hg19) VCF-style: chr11-108117770-AAGT-A.
Other names: c.984_986delTAG (NM_000051.3); c.984_986del, p.Ser328del (NM_001351834.2); short protein forms S328del.
Identifiers: ClinVar variation 232166 (VCV000232166.17), dbSNP rs876659593, ClinGen allele CA10578988.

ClinVar aggregate classification (germline): Uncertain significance. Review status: criteria provided, multiple submitters, no conflicts (2 of 4 stars). 4 submissions from 4 submitters: Uncertain significance (4). Last evaluated 2024-10-03.

Conditions:
Hereditary cancer-predisposing syndrome. Also called: Hereditary Cancer Syndrome; Neoplastic Syndromes, Hereditary; Tumor predisposition; Hereditary neoplastic syndrome. Identifiers: Orphanet 140162, MedGen C0027672, MeSH D009386, MONDO:0015356.
Ataxia-telangiectasia syndrome (AT). Also called: Ataxia telangiectasia (A-T); Ataxia-telangiectasia, complementation group E; LOUIS-BAR SYNDROME; Cerebello-oculocutaneous telangiectasia; Immunodeficiency with ataxia telangiectasia; Ataxia-telangiectasia, complementation group D. Identifiers: Orphanet 100, MedGen C0004135, MONDO:0008840, OMIM 208900.
Familial cancer of breast. Also called: Hereditary breast cancer; hereditary breast carcinoma; BREAST CANCER, FAMILIAL. Identifiers: Orphanet 227535, MedGen C0346153, MONDO:0016419, OMIM 114480. Disease mechanism: loss of function.

Submissions (4):

Labcorp Genetics (formerly Invitae), Labcorp
Classification: Uncertain significance for Ataxia-telangiectasia syndrome. Last evaluated: 2024-10-03. Review status: criteria provided, single submitter. Criteria: Invitae Variant Classification Sherloc (09022015). Collection method: clinical testing. Allele origin: germline.
Comment: This variant, c.984_986del, results in the deletion of 1 amino acid(s) of the ATM protein (p.Ser328del), but otherwise preserves the integrity of the reading frame. This variant is not present in population databases (gnomAD no frequency). This variant has not been reported in the literature in individuals affected with ATM-related conditions. ClinVar contains an entry for this variant (Variation ID: 232166). Experimental studies and prediction algorithms are not available or were not evaluated, and the functional significance of this variant is currently unknown. In summary, the available evidence is currently insufficient to determine the role of this variant in disease. Therefore, it has been classified as a Variant of Uncertain Significance.

Ambry Genetics
Classification: Uncertain significance for Hereditary cancer-predisposing syndrome. Last evaluated: 2024-01-02. Review status: criteria provided, single submitter. Criteria: Ambry Variant Classification Scheme 2023. Collection method: clinical testing. Allele origin: germline.
Comment: The c.984_986delTAG variant (also known as p.S328del) is located in coding exon 7 of the ATM gene. This variant results from an in-frame TAG deletion at nucleotide positions 984 to 986. This results in the in-frame deletion of a serine at codon 328. This amino acid position is highly conserved in available vertebrate species. In addition, the in silico prediction for this alteration is inconclusive (Choi Y et al. PLoS ONE. 2012; 7(10):e46688). Since supporting evidence is limited at this time, the clinical significance of this alteration remains unclear.

Baylor Genetics
Classification: Uncertain significance for Familial cancer of breast. Last evaluated: 2023-09-25. Review status: criteria provided, single submitter. Criteria: ACMG Guidelines, 2015. Collection method: clinical testing. Allele origin: unknown.

Color Diagnostics, LLC DBA Color Health
Classification: Uncertain significance for Hereditary cancer-predisposing syndrome. Last evaluated: 2021-11-12. Review status: criteria provided, single submitter. Criteria: ACMG Guidelines, 2015. Collection method: clinical testing. Allele origin: germline.
Comment: This variant is located in exon 8 of the ATM protein and results in an in-frame deletion of serine at position 328. To our knowledge, functional studies have not been reported for this variant. This variant has not been reported in individuals affected with hereditary cancer in the literature. This variant has not been identified in the general population by the Genome Aggregation Database (gnomAD). The available evidence is insufficient to determine the role of this variant in disease conclusively. Therefore, this variant is classified as a Variant of Uncertain Significance.